The following is an entry in ClinVar:

ClinVar aggregate classification (germline): Uncertain significance (1 of 4 stars; one submission).

Submission:

GeneDx
Classification: Uncertain significance. Last evaluated: 2024-11-27. Review status: criteria provided, single submitter. Criteria: GeneDx Variant Classification Process June 2021. Collection method: clinical testing. Allele origin: germline. Affected: yes.
Comment: Not observed at significant frequency in large population cohorts (gnomAD); In silico analysis supports that this missense variant has a deleterious effect on protein structure/function; Has not been previously published as pathogenic or benign to our knowledge

NM_001330288.2(SMARCC2):c.1454C>T (p.Ala485Val)

Gene: SMARCC2 (SWI/SNF related BAF chromatin remodeling complex subunit C2; minus strand). Cytogenetic location: 12q13.2.
Variant type: single nucleotide variant.
Coding change: c.1454C>T on transcript NM_001330288.2 (MANE Select); coding-DNA position 1454, C replaced by T.
Protein change: p.Ala485Val; replaces alanine 485 with valine.
Molecular consequence: missense variant.
Genome position (GRCh38, 1-based): chr12:56,174,693, G>A on the plus strand (C>T on the coding strand, the complement: SMARCC2 is on the minus strand). VCF-style: chr12-56174693-G-A. GRCh37 (hg19) VCF-style: chr12-56568477-G-A.
Other names: c.1454C>T, p.Ala485Val (NM_001130420.3, NM_003075.5, NM_139067.4); short protein forms A485V.
Identifiers: ClinVar variation 3900879 (VCV003900879.1).
Genomic context (GRCh38, chr12:56,174,693, plus strand): 5'-CTCAGCCACAAGACCCACCTCATGATGGCACAGACATCACCCGCTAGGTTTCGGCGGCAG[G>A]CGGTAGAGGTAAGATACTCTTGGGGGTTCAGTCGGTAAGTGTCAATCATAAAGTTTCGAT-3'
Protein context (NP_001317217.1, residues 475-495): LNPQEYLTST[Ala485Val]CRRNLAGDVC